The following is an entry in ClinVar:

NM_000179.3(MSH6):c.3239T>G (p.Leu1080Arg)

Gene: MSH6 (mutS homolog 6; plus strand). Cytogenetic location: 2p16.3.
Variant type: single nucleotide variant.
Coding change: c.3239T>G on transcript NM_000179.3 (MANE Select); coding-DNA position 3239, T replaced by G.
Protein change: p.Leu1080Arg; replaces leucine 1080 with arginine.
Molecular consequence: missense variant. On other transcripts: non-coding transcript variant (5), intron variant (1).
Genome position (GRCh38, 1-based): chr2:47,803,486, T>G. VCF-style: chr2-47803486-T-G. GRCh37 (hg19) VCF-style: chr2-48030625-T-G.
Other names: c.2849T>G, p.Leu950Arg (NM_001281492.2); c.2333T>G, p.Leu778Arg (NM_001281493.2, NM_001281494.2, NM_001406816.1 and 6 more transcripts); c.3335T>G, p.Leu1112Arg (NM_001406795.1, NM_001406802.1); c.3239T>G, p.Leu1080Arg (NM_001406796.1, NM_001406800.1, NM_001406808.1 and 1 more transcripts); c.2942T>G, p.Leu981Arg (NM_001406797.1, NM_001406801.1, NM_001406818.1 and 10 more transcripts); c.2714T>G, p.Leu905Arg (NM_001406799.1, NM_001406806.1, NM_001406807.1); c.2375T>G, p.Leu792Arg (NM_001406803.1); c.1673T>G, p.Leu558Arg (NM_001406817.1); and 7 more; short protein forms L1024R, L1112R, L792R, L950R, L7R, L981R, L1080R, L1082R.
Identifiers: ClinVar variation 3875056 (VCV003875056.2).

ClinVar aggregate classification (germline): Uncertain significance. Review status: criteria provided, multiple submitters, no conflicts (2 of 4 stars). 2 submissions from 2 submitters: Uncertain significance (2). Last evaluated 2024-12-12.

Conditions:
Hereditary cancer-predisposing syndrome. Also called: Tumor predisposition; Neoplastic Syndromes, Hereditary; Hereditary Cancer Syndrome; Hereditary neoplastic syndrome. Identifiers: Orphanet 140162, MedGen C0027672, MeSH D009386, MONDO:0015356.
Lynch syndrome 5 (LYNCH5). Also called: Hereditary non-polyposis colorectal cancer, type 5; Colorectal cancer, hereditary nonpolyposis, type 5. Identifiers: Orphanet 144, MedGen C1833477, MONDO:0013710, OMIM 614350. Disease mechanism: loss of function.

gnomAD v4.1: 5 of 1,614,218 alleles (0.00031%); highest among the groups gnomAD compares: Non-Finnish European, 0.00042%; no homozygotes.

Submissions (2):

Ambry Genetics
Classification: Uncertain significance for Hereditary cancer-predisposing syndrome. Last evaluated: 2024-12-12. Review status: criteria provided, single submitter. Criteria: Ambry Variant Classification Scheme 2023. Collection method: clinical testing. Allele origin: germline.
Comment: The p.L1080R variant (also known as c.3239T>G), located in coding exon 5 of the MSH6 gene, results from a T to G substitution at nucleotide position 3239. The leucine at codon 1080 is replaced by arginine, an amino acid with dissimilar properties. This amino acid position is conserved. In addition, the in silico prediction for this alteration is inconclusive. Based on the available evidence, the clinical significance of this variant remains unclear.

Molecular Pathology, Peter Maccallum Cancer Centre
Classification: Uncertain significance for Lynch syndrome 5. Last evaluated: 2024-03-07. Review status: criteria provided, single submitter. Criteria: ACMG Guidelines, 2015. Collection method: clinical testing. Allele origin: germline. Inheritance: Autosomal dominant inheritance.